The following is an entry in ClinVar:

ClinVar aggregate classification (germline): Uncertain significance (1 of 4 stars; one submission).

Conditions:
Developmental and epileptic encephalopathy, 30 (DEE30). Also called: Epileptic encephalopathy, early infantile, 30. Identifiers: MedGen C4225360, MONDO:0014595, OMIM 616341.

Allele frequency attached by ClinVar (database versions not stated): ExAC 0.00001; gnomAD exomes 0.00001; ESP Exome Variant Server 0.00008.

Submission:

Labcorp Genetics (formerly Invitae), Labcorp
Classification: Uncertain significance for Developmental and epileptic encephalopathy, 30. Last evaluated: 2022-08-01. Review status: criteria provided, single submitter. Criteria: Invitae Variant Classification Sherloc (09022015). Collection method: clinical testing. Allele origin: germline.
Comment: In summary, the available evidence is currently insufficient to determine the role of this variant in disease. Therefore, it has been classified as a Variant of Uncertain Significance. Advanced modeling of protein sequence and biophysical properties (such as structural, functional, and spatial information, amino acid conservation, physicochemical variation, residue mobility, and thermodynamic stability) performed at Invitae indicates that this missense variant is not expected to disrupt SIK1 protein function. ClinVar contains an entry for this variant (Variation ID: 947171). This variant has not been reported in the literature in individuals affected with SIK1-related conditions. This variant is present in population databases (rs375024211, gnomAD 0.004%). This sequence change replaces proline, which is neutral and non-polar, with leucine, which is neutral and non-polar, at codon 393 of the SIK1 protein (p.Pro393Leu).

NM_173354.5(SIK1):c.1178C>T (p.Pro393Leu)

Gene: SIK1 (salt inducible kinase 1; minus strand). Cytogenetic location: 21q22.3.
Variant type: single nucleotide variant.
Coding change: c.1178C>T on transcript NM_173354.5 (MANE Select); coding-DNA position 1178, C replaced by T.
Protein change: p.Pro393Leu; replaces proline 393 with leucine.
Molecular consequence: missense variant.
Genome position (GRCh38, 1-based): chr21:43,419,420, G>A on the plus strand (C>T on the coding strand, the complement: SIK1 is on the minus strand). VCF-style: chr21-43419420-G-A. GRCh37 (hg19) VCF-style: chr21-44839300-G-A.
Other names: short protein forms P393L.
Identifiers: ClinVar variation 947171 (VCV000947171.10), dbSNP rs375024211, ClinGen allele CA321326131.